The following is an entry in ClinVar:

NM_015160.3(PMPCA):c.523C>T (p.Arg175Trp)

Gene: PMPCA (peptidase, mitochondrial processing subunit alpha; plus strand). Cytogenetic location: 9q34.3.
Variant type: single nucleotide variant.
Coding change: c.523C>T on transcript NM_015160.3 (MANE Select); coding-DNA position 523, C replaced by T.
Protein change: p.Arg175Trp; replaces arginine 175 with tryptophan.
Molecular consequence: missense variant. On other transcripts: intron variant (1).
Genome position (GRCh38, 1-based): chr9:136,414,638, C>T. VCF-style: chr9-136414638-C-T. GRCh37 (hg19) VCF-style: chr9-139309090-C-T.
Other names: c.223C>T, p.Arg75Trp (NM_001282946.2); c.140-1653C>T (NM_001282944.2); short protein forms R175W, R75W.
Identifiers: ClinVar variation 2313339 (VCV002313339.4), dbSNP rs375535519, ClinGen allele CA5336012.

ClinVar aggregate classification (germline): Uncertain significance. Review status: criteria provided, multiple submitters, no conflicts (2 of 4 stars). 2 submissions from 2 submitters: Uncertain significance (2). Last evaluated 2025-12-16.

Conditions:
Inborn genetic diseases. Identifiers: MedGen C0950123, MeSH D030342.

Allele frequency attached by ClinVar (database versions not stated): gnomAD 0.00001; ExAC 0.00003; TOPMed 0.00005; ESP Exome Variant Server 0.00008; gnomAD exomes 0.00008.
gnomAD v4.1: 114 of 1,608,926 alleles (0.0071%); highest among the groups gnomAD compares: Non-Finnish European, 0.0092%; no homozygotes.

Submissions (2):

Labcorp Genetics (formerly Invitae), Labcorp
Classification: Uncertain significance. Last evaluated: 2025-12-16. Review status: criteria provided, single submitter. Criteria: Invitae Variant Classification Sherloc (09022015). Collection method: clinical testing. Allele origin: germline.
Comment: This sequence change replaces arginine, which is basic and polar, with tryptophan, which is neutral and slightly polar, at codon 175 of the PMPCA protein (p.Arg175Trp). This variant is present in population databases (rs375535519, gnomAD 0.009%). This variant has not been reported in the literature in individuals affected with PMPCA-related conditions. ClinVar contains an entry for this variant (Variation ID: 2313339). Invitae Evidence Modeling of protein sequence and biophysical properties (such as structural, functional, and spatial information, amino acid conservation, physicochemical variation, residue mobility, and thermodynamic stability) indicates that this missense variant is not expected to disrupt PMPCA protein function with a negative predictive value of 80%. In summary, the available evidence is currently insufficient to determine the role of this variant in disease. Therefore, it has been classified as a Variant of Uncertain Significance.

Ambry Genetics
Classification: Uncertain significance for Inborn genetic diseases. Last evaluated: 2025-08-30. Review status: criteria provided, single submitter. Criteria: Ambry Variant Classification Scheme 2023. Collection method: clinical testing. Allele origin: germline.